The following is an entry in ClinVar:

NM_001267550.2(TTN):c.101011G>A (p.Ala33671Thr)

Genes: TTN-AS1 (TTN antisense RNA 1; plus strand), TTN (titin; minus strand). Cytogenetic location: 2q31.2.
Variant type: single nucleotide variant.
Coding change: c.101011G>A on transcript NM_001267550.2 (MANE Select); coding-DNA position 101011, G replaced by A.
Protein change: p.Ala33671Thr; replaces alanine 33671 with threonine.
Molecular consequence: missense variant.
Genome position (GRCh38, 1-based): chr2:178,535,604, C>T on the plus strand (G>A on the coding strand, the complement: TTN is on the minus strand). VCF-style: chr2-178535604-C-T. GRCh37 (hg19) VCF-style: chr2-179400331-C-T.
Other names: c.96088G>A, p.Ala32030Thr (NM_001256850.1); c.73816G>A, p.Ala24606Thr (NM_003319.4); c.93307G>A, p.Ala31103Thr (NM_133378.4); c.74191G>A, p.Ala24731Thr (NM_133432.3); c.74392G>A, p.Ala24798Thr (NM_133437.4); short protein forms A24606T, A24731T, A24798T, A31103T, A32030T, A33671T.
Identifiers: ClinVar variation 3756181 (VCV003756181.2).

ClinVar aggregate classification (germline): Uncertain significance (1 of 4 stars; one submission).

Conditions:
Dilated cardiomyopathy 1G (CMD1G). Identifiers: Orphanet 154, MedGen C1858763, MONDO:0011400, OMIM 604145.
Autosomal recessive limb-girdle muscular dystrophy type 2J (LGMDR10). Also called: Limb-girdle muscular dystrophy, type 2J; MUSCULAR DYSTROPHY, LIMB-GIRDLE, AUTOSOMAL RECESSIVE 10. Identifiers: Orphanet 140922, MedGen C1837342, MONDO:0012127, OMIM 608807.

Submission:

Labcorp Genetics (formerly Invitae), Labcorp
Classification: Uncertain significance for Dilated cardiomyopathy 1G; Autosomal recessive limb-girdle muscular dystrophy type 2J. Last evaluated: 2024-05-04. Review status: criteria provided, single submitter. Criteria: Invitae Variant Classification Sherloc (09022015). Collection method: clinical testing. Allele origin: germline.
Comment: This sequence change replaces alanine, which is neutral and non-polar, with threonine, which is neutral and polar, at codon 33671 of the TTN protein (p.Ala33671Thr). This variant is not present in population databases (gnomAD no frequency). This variant has not been reported in the literature in individuals affected with TTN-related conditions. Experimental studies and prediction algorithms are not available or were not evaluated, and the functional significance of this variant is currently unknown. This variant is located in the M band of TTN (PMID: 25589632). Non-truncating variants in this region may be relevant for neuromuscular disorders, but have not been definitively shown to cause cardiomyopathy (PMID: 23975875). In summary, the available evidence is currently insufficient to determine the role of this variant in disease. Therefore, it has been classified as a Variant of Uncertain Significance.

Literature cited by the submitters: PubMed 25589632; PubMed 23975875.